The following is an entry in ClinVar:

NM_000443.4(ABCB4):c.833+1G>A

Gene: ABCB4 (ATP binding cassette subfamily B member 4; minus strand). Cytogenetic location: 7q21.12.
Variant type: single nucleotide variant.
Coding change: c.833+1G>A on transcript NM_000443.4 (MANE Select); the canonical splice donor site of the intron after coding-DNA position 833, G replaced by A.
Molecular consequence: splice donor variant.
Genome position (GRCh38, 1-based): chr7:87,449,967, C>T on the plus strand (G>A on the coding strand, the complement: ABCB4 is on the minus strand). VCF-style: chr7-87449967-C-T. GRCh37 (hg19) VCF-style: chr7-87079283-C-T.
Other names: c.833+1G>A (NM_018850.3, NM_018849.3, NM_000443.3).
Identifiers: ClinVar variation 2849787 (VCV002849787.4), dbSNP rs2546853821, ClinGen allele CA368050357.
Genomic context (GRCh38, chr7:87,449,967, plus strand): 5'-GAAGAAGCAACAAAATGTAAAAACACATTCCTTAAACCAGTGGCTAAAGAACCTTCCTGA[C>T]CTTTCCAGCTCTTTGTTCTGGCCCCCGAAAGCTATCACAGTCCTGATGGCCCCCAGAGCC-3'

ClinVar aggregate classification (germline): Pathogenic/Likely pathogenic. Review status: criteria provided, multiple submitters, no conflicts (2 of 4 stars). 2 submissions from 2 submitters: Pathogenic (1); Likely pathogenic (1). Last evaluated 2026-05-26.

Conditions:
ABCB4-related disorder. Also called: ABCB4-related disorders; ABCB4-related condition.

Submissions (2):

PreventionGenetics, part of Exact Sciences
Classification: Likely pathogenic for ABCB4-related condition. Last evaluated: 2026-05-26. Review status: criteria provided, single submitter. Criteria: ACMG Guidelines, 2015. Collection method: clinical testing. Allele origin: germline.
Comment: The ABCB4 c.833+1G>A variant is predicted to disrupt the GT donor site and interfere with normal splicing. To our knowledge, this variant has not been reported in the literature or in a large population database (gnomAD), indicating this variant is rare. Of note, variants affecting this splice donor site (c.833G>A, c.832A>G, c.833+1G>T) have been reported in individuals with low phospholipid associated cholelithiasis or familial progressive intrahepatic cholestasis (Poupon et al. 2013. PubMed ID: 23533021; Huynh et al. 2018. PubMed ID: 30449124; Neřoldová et al. 2023. PubMed ID: 37471416). Variants that disrupt the consensus splice donor site in ABCB4 are expected to be pathogenic. This variant is interpreted as likely pathogenic.

Labcorp Genetics (formerly Invitae), Labcorp
Classification: Pathogenic. Last evaluated: 2025-03-19. Review status: criteria provided, single submitter. Criteria: Invitae Variant Classification Sherloc (09022015). Collection method: clinical testing. Allele origin: germline.
Comment: This sequence change affects a donor splice site in intron 8 of the ABCB4 gene. It is expected to disrupt RNA splicing. Variants that disrupt the donor or acceptor splice site typically lead to a loss of protein function (PMID: 16199547), and loss-of-function variants in ABCB4 are known to be pathogenic (PMID: 17726488, 25755532). This variant is not present in population databases (gnomAD no frequency). Disruption of this splice site has been observed in individual(s) with clinical features of progressive familial intrahepatic cholestasis type 3 (PMID: 37471416; internal data). In at least one individual the data is consistent with being in trans (on the opposite chromosome) from a pathogenic variant. ClinVar contains an entry for this variant (Variation ID: 2849787). Algorithms developed to predict the effect of sequence changes on RNA splicing suggest that this variant may disrupt the consensus splice site. For these reasons, this variant has been classified as Pathogenic.

Literature cited by the submitters: PubMed 16199547 (cited by Labcorp Genetics (formerly Invitae), Labcorp); PubMed 17726488 (cited by Labcorp Genetics (formerly Invitae), Labcorp); PubMed 25755532 (cited by Labcorp Genetics (formerly Invitae), Labcorp); PubMed 37471416 (cited by Labcorp Genetics (formerly Invitae), Labcorp).